The following is an entry in ClinVar:

NM_000075.4(CDK4):c.549C>G (p.Pro183=)

Gene: CDK4 (cyclin dependent kinase 4; minus strand). Cytogenetic location: 12q14.1.
Variant type: single nucleotide variant.
Coding change: c.549C>G on transcript NM_000075.4 (MANE Select); coding-DNA position 549, C replaced by G.
Protein change: p.Pro183=; no amino-acid change (proline 183 retained).
Molecular consequence: synonymous variant.
Genome position (GRCh38, 1-based): chr12:57,750,739, G>C on the plus strand (C>G on the coding strand, the complement: CDK4 is on the minus strand). VCF-style: chr12-57750739-G-C. GRCh37 (hg19) VCF-style: chr12-58144522-G-C.
Identifiers: ClinVar variation 1136120 (VCV001136120.12), dbSNP rs778696237, ClinGen allele CA480301320.

ClinVar aggregate classification (germline): Benign/Likely benign. Review status: criteria provided, multiple submitters, no conflicts (2 of 4 stars). 3 submissions from 3 submitters: Benign (1); Likely benign (2). Last evaluated 2025-04-02.

Conditions:
Melanoma, cutaneous malignant, susceptibility to, 3. Also called: Cutaneous malignant melanoma 3. Identifiers: Orphanet 618, MedGen C1836892, MONDO:0012183, OMIM 609048.
Familial melanoma. Also called: Hereditary melanoma; Hereditary cutaneous melanoma. Identifiers: Orphanet 618, MedGen C1512419, MONDO:0018961.
Hereditary cancer-predisposing syndrome. Also called: Hereditary neoplastic syndrome; Hereditary Cancer Syndrome; Tumor predisposition; Neoplastic Syndromes, Hereditary. Identifiers: Orphanet 140162, MedGen C0027672, MeSH D009386, MONDO:0015356.

gnomAD v4.1: 1 of 1,613,962 alleles (0.000062%); highest among the groups gnomAD compares: Non-Finnish European, 0.000085%; no homozygotes.

Submissions (3):

Labcorp Genetics (formerly Invitae), Labcorp
Classification: Likely benign for Familial melanoma. Last evaluated: 2025-04-02. Review status: criteria provided, single submitter. Criteria: Invitae Variant Classification Sherloc (09022015). Collection method: clinical testing. Allele origin: germline.

Myriad Genetics, Inc.
Classification: Benign for Melanoma, cutaneous malignant, susceptibility to, 3. Last evaluated: 2024-09-26. Review status: criteria provided, single submitter. Criteria: Myriad Autosomal Dominant, Autosomal Recessive and X-Linked Classification Criteria (2023). Collection method: clinical testing. Allele origin: unknown.
Comment: This variant is considered benign. This variant is a silent/synonymous amino acid change and it is not expected to impact splicing.

Ambry Genetics
Classification: Likely benign for Hereditary cancer-predisposing syndrome. Last evaluated: 2021-05-28. Review status: criteria provided, single submitter. Criteria: Ambry Variant Classification Scheme 2023. Collection method: clinical testing. Allele origin: germline.